The following is an entry in ClinVar:

ClinVar aggregate classification (germline): Likely pathogenic (1 of 4 stars; one submission).

Conditions:
Hereditary acrodermatitis enteropathica (AEZ). Also called: Acrodermatitis enteropathica. Identifiers: Orphanet 37, MedGen C0221036, MONDO:0008713, OMIM 201100.

Submission:

Natera, Inc.
Classification: Likely pathogenic for Acrodermatitis enteropathica. Last evaluated: 2025-12-05. Review status: criteria provided, single submitter. Criteria: Natera Variant Classification Schema (03/2026). Collection method: clinical testing. Allele origin: germline.
Comment: The c.1463_1474+12del variant in SLC39A4 is a deletion affecting a canonical splice donor site and part of an exon. This variant is expected to result in nonsense mediated decay, truncation, or a dysfunctional protein product. This variant is rare in the general population with a frequency below the threshold expected for the associated phenotype(s). Given the available evidence, this variant is classified as Likely Pathogenic.

NM_130849.4(SLC39A4):c.1464_1474+13del

Gene: SLC39A4 (solute carrier family 39 member 4; minus strand). Cytogenetic location: 8q24.3.
Variant type: Deletion.
Coding change: c.1464_1474+13del on transcript NM_130849.4 (MANE Select); coding-DNA position 1464 through 13 bases into the intron after coding-DNA position 1474, 24 bases deleted (ACTGAGCCCAGGTGAGCCCAGGGG).
Molecular consequence: splice donor variant.
Genome position (GRCh38, 1-based): chr8:144,413,500-144,413,523, CCCCTGGGCTCACCTGGGCTCAGT deleted on the plus strand (ACTGAGCCCAGGTGAGCCCAGGGG on the coding strand, the reverse complement: SLC39A4 is on the minus strand); deleting any 24 consecutive bases within chr8:144,413,500-144,413,524 gives the same sequence; the c. name uses the placement nearest the transcript's 3' end. VCF-style (leftmost placement, unchanged base first): chr8-144413499-CCCCCTGGGCTCACCTGGGCTCAGT-C. GRCh37 (hg19) VCF-style: chr8-145638883-CCCCCTGGGCTCACCTGGGCTCAGT-C.
Other names: c.1182_1192+13del (NM_001374839.1); c.1389_1399+13del (NM_017767.3); c.-31_-21+13del (NM_001280557.2).
Identifiers: ClinVar variation 4816455 (VCV004816455.1).